The following is an entry in ClinVar:

ClinVar aggregate classification (germline): Uncertain significance (1 of 4 stars; one submission).

Conditions:
Dilated cardiomyopathy 1JJ (CMD1JJ). Identifiers: Orphanet 154, MedGen C3808935, MONDO:0014095, OMIM 615235.

Submission:

Labcorp Genetics (formerly Invitae), Labcorp
Classification: Uncertain significance for Dilated cardiomyopathy 1JJ. Last evaluated: 2023-06-17. Review status: criteria provided, single submitter. Criteria: Invitae Variant Classification Sherloc (09022015). Collection method: clinical testing. Allele origin: germline.
Comment: In summary, the available evidence is currently insufficient to determine the role of this variant in disease. Therefore, it has been classified as a Variant of Uncertain Significance. An algorithm developed to predict the effect of missense changes on protein structure and function (PolyPhen-2) suggests that this variant is likely to be disruptive. This variant has not been reported in the literature in individuals affected with LAMA4-related conditions. This variant is not present in population databases (gnomAD no frequency). This sequence change replaces proline, which is neutral and non-polar, with threonine, which is neutral and polar, at codon 428 of the LAMA4 protein (p.Pro428Thr).

NM_001105206.3(LAMA4):c.1303C>A (p.Pro435Thr)

Gene: LAMA4 (laminin subunit alpha 4; minus strand). Cytogenetic location: 6q21.
Variant type: single nucleotide variant.
Coding change: c.1303C>A on transcript NM_001105206.3 (MANE Select); coding-DNA position 1303, C replaced by A.
Protein change: p.Pro435Thr; replaces proline 435 with threonine.
Molecular consequence: missense variant.
Genome position (GRCh38, 1-based): chr6:112,175,367, G>T on the plus strand (C>A on the coding strand, the complement: LAMA4 is on the minus strand). VCF-style: chr6-112175367-G-T. GRCh37 (hg19) VCF-style: chr6-112496569-G-T.
Other names: c.1282C>A, p.Pro428Thr (NM_001105207.3, NM_002290.5); short protein forms P428T, P435T.
Identifiers: ClinVar variation 2878124 (VCV002878124.3), dbSNP rs1781961657, ClinGen allele CA365371730.
Genomic context (GRCh38, chr6:112,175,367, plus strand): 5'-ACCTACGTTCGTAAGCCTCATCTGCCTCCTCATCCACGAGCTCCCGTTGGGTGAAAAATG[G>T]TTGACGGCTTCTAATCTCTTCAAGCATCTTCTGGGCCAACACCAGCTTCTCAGAGATTTC-3'
Protein context (NP_001098676.2, residues 425-445): KMLEEIRSRQ[Pro435Thr]FFTQRELVDE